The following is an entry in ClinVar:

NM_000317.3(PTS):c.292_293insATACTTTG (p.Pro98fs)

Gene: PTS (6-pyruvoyltetrahydropterin synthase; plus strand). Cytogenetic location: 11q23.1.
Variant type: Insertion.
Coding change: c.292_293insATACTTTG on transcript NM_000317.3 (MANE Select); coding-DNA positions 292 to 293, ATACTTTG inserted.
Protein change: p.Pro98fs; shifts the reading frame from proline 98.
Molecular consequence: frameshift variant.
Genome position: GRCh38 VCF-style: chr11-112233211-C-CATACTTTG. GRCh37 (hg19) VCF-style: chr11-112103934-C-CATACTTTG.
Other names: short protein forms P98fs.
Identifiers: ClinVar variation 2032318 (VCV002032318.4), dbSNP rs2496570916, ClinGen allele CA2580083324.
Genomic context (GRCh38, chr11:112,233,211, plus strand): 5'-TTTTGTCTCTAGGAGGCGATTATGCAGCCCCTTGATCATAAGAATCTGGATATGGATGTG[C>CATACTTTG]CATACTTTGCAGATGTGGTGAGGTGGGTGGCACTGTATCTTGCCTTATGTGGATTGTAAA-3'

ClinVar aggregate classification (germline): Pathogenic (1 of 4 stars; one submission).

Conditions:
6-Pyruvoyl-tetrahydrobiopterin synthase deficiency. Also called: 6-Pyruvoyltetrahydropterin Synthase Deficiency; HYPERPHENYLALANINEMIA, TETRAHYDROBIOPTERIN-DEFICIENT, DUE TO PTS DEFICIENCY; PTS-Related Tetrahydrobiopterin Deficiency; Hyperphenylalanemia, BH4-deficient, A; Hyperphenylalaninemia due to 6-pyruvoyl-tetrahydropterin synthase deficiency; BH4-deficient hyperphenylalaninemia A. Identifiers: Orphanet 13, Orphanet 238583, MedGen C0878676, MONDO:0009863, OMIM 261640.

Submission:

Labcorp Genetics (formerly Invitae), Labcorp
Classification: Pathogenic for 6-Pyruvoyl-tetrahydrobiopterin synthase deficiency. Last evaluated: 2023-10-22. Review status: criteria provided, single submitter. Criteria: Invitae Variant Classification Sherloc (09022015). Collection method: clinical testing. Allele origin: germline.
Comment: This sequence change creates a premature translational stop signal (p.Pro98Hisfs*10) in the PTS gene. While this is not anticipated to result in nonsense mediated decay, it is expected to disrupt the last 48 amino acid(s) of the PTS protein. This variant is not present in population databases (gnomAD no frequency). This variant has not been reported in the literature in individuals affected with PTS-related conditions. ClinVar contains an entry for this variant (Variation ID: 2032318). This variant disrupts a region of the PTS protein in which other variant(s) (p.Asp136Val) have been determined to be pathogenic (PMID: 9222757, 11388593, 25418970). This suggests that this is a clinically significant region of the protein, and that variants that disrupt it are likely to be disease-causing. For these reasons, this variant has been classified as Pathogenic.

Literature cited by the submitters: PubMed 9222757; PubMed 11388593; PubMed 25418970.